The following is an entry in ClinVar:

ClinVar aggregate classification (germline): Uncertain significance (1 of 4 stars; one submission).

Allele frequency attached by ClinVar (database versions not stated): TOPMed below 0.00001; ExAC 0.00001.
gnomAD v4.1: 1 of 1,613,670 alleles (0.000062%); highest among the groups gnomAD compares: African/African-American, 0.0013%; no homozygotes.

Submission:

Labcorp Genetics (formerly Invitae), Labcorp
Classification: Uncertain significance. Last evaluated: 2022-06-05. Review status: criteria provided, single submitter. Criteria: Invitae Variant Classification Sherloc (09022015). Collection method: clinical testing. Allele origin: germline.
Comment: In summary, the available evidence is currently insufficient to determine the role of this variant in disease. Therefore, it has been classified as a Variant of Uncertain Significance. Advanced modeling of protein sequence and biophysical properties (such as structural, functional, and spatial information, amino acid conservation, physicochemical variation, residue mobility, and thermodynamic stability) performed at Invitae indicates that this missense variant is not expected to disrupt CPLANE1 protein function. ClinVar contains an entry for this variant (Variation ID: 1521039). This variant has not been reported in the literature in individuals affected with CPLANE1-related conditions. The frequency data for this variant in the population databases is considered unreliable, as metrics indicate poor data quality at this position in the gnomAD database. This sequence change replaces glycine, which is neutral and non-polar, with cysteine, which is neutral and slightly polar, at codon 1832 of the CPLANE1 protein (p.Gly1832Cys).

NM_001384732.1(CPLANE1):c.5494G>T (p.Gly1832Cys)

Gene: CPLANE1 (ciliogenesis and planar polarity effector complex subunit 1; minus strand). Cytogenetic location: 5p13.2.
Variant type: single nucleotide variant.
Coding change: c.5494G>T on transcript NM_001384732.1 (MANE Select); coding-DNA position 5494, G replaced by T.
Protein change: p.Gly1832Cys; replaces glycine 1832 with cysteine.
Molecular consequence: missense variant.
Genome position (GRCh38, 1-based): chr5:37,180,933, C>A on the plus strand (G>T on the coding strand, the complement: CPLANE1 is on the minus strand). VCF-style: chr5-37180933-C-A. GRCh37 (hg19) VCF-style: chr5-37181035-C-A.
Other names: c.5494G>T, p.Gly1832Cys (NM_023073.4); short protein forms G1832C.
Identifiers: ClinVar variation 1521039 (VCV001521039.6), dbSNP rs755908877, ClinGen allele CA3238528.